The following is an entry in ClinVar:

NM_000169.3(GLA):c.127G>A (p.Gly43Ser)

Genes: GLA (galactosidase alpha; minus strand), RPL36A-HNRNPH2 (RPL36A-HNRNPH2 readthrough; plus strand). Cytogenetic location: Xq22.1.
Variant type: single nucleotide variant.
Coding change: c.127G>A on transcript NM_000169.3 (MANE Select); coding-DNA position 127, G replaced by A.
Protein change: p.Gly43Ser; replaces glycine 43 with serine.
Molecular consequence: missense variant. On other transcripts: non-coding transcript variant (3), intron variant (2).
Genome position (GRCh38, 1-based): chrX:101,407,777, C>T on the plus strand (G>A on the coding strand, the complement: GLA is on the minus strand). VCF-style: chrX-101407777-C-T. GRCh37 (hg19) VCF-style: chrX-100662765-C-T.
Other names: c.127G>A, p.Gly43Ser (NM_001406747.1, NM_001406748.1, NM_001406749.1); c.301-4159C>T (NM_001199973.2); c.178-4159C>T (NM_001199974.2); short protein forms G43S.
Identifiers: ClinVar variation 290742 (VCV000290742.10), dbSNP rs886044906, ClinGen allele CA10606899.
Genomic context (GRCh38, chrX:101,407,777, plus strand): 5'-AGGAATCTGGCTCTTCCTGGCAGTCAAGGTTGCACATGAAGCGCTCCCAGTGCAGCCAGC[C>T]CATGGTAGGCGTCCTTGCCAATCCATTGTCCAGTGCTCTAGCCCCAGGGATGTCCCAGGA-3'
Protein context (NP_000160.1, residues 33-53): DNGLARTPTM[Gly43Ser]WLHWERFMCN

ClinVar aggregate classification (germline): Pathogenic/Likely pathogenic. Review status: criteria provided, multiple submitters, no conflicts (2 of 4 stars). 3 submissions from 3 submitters: Pathogenic (2); Likely pathogenic (1). Last evaluated 2026-09-08.

Conditions:
Fabry disease. Also called: Fabry's disease; GLA DEFICIENCY; HEREDITARY DYSTOPIC LIPIDOSIS; Ceramide trihexosidosis; Angiokeratoma corporis diffusum; ANDERSON-FABRY DISEASE. Identifiers: Orphanet 324, MedGen C0002986, MONDO:0010526, OMIM 301500, HP:0001071. Disease mechanism: loss of function, Fabry disease is due to inactivating mutations in the X-linked GLA gene resulting in deficiency of the enzyme Alpha Galactosidase-A..

Submissions (3):

Genomenon, Inc
Classification: Pathogenic for Fabry disease. Last evaluated: 2026-09-08. Review status: criteria provided, single submitter. Criteria: Genomenon Sequence Variant Interpretation Standards - Updated. Collection method: curation. Allele origin: germline. Affected: yes.
Comment: GLA p.Gly43Ser (c.127G>A) is a missense variant that changes the amino acid at codon 43 from Glycine to Serine. This variant has been observed in at least one proband with clinical features consistent with Fabry disease (PMID:37940383;36140787;40692291). The variant was found to segregate with disease in at least one affected family (PMID:36140787). At least one functional study has demonstrated a substantial alteration in protein function relative to the wild-type (PMID:32023956;23935525;27657681). This variant is located in a mutational hotspot and/or important functional domain. It is absent or not present at a significant frequency in gnomAD. In silico models predict that this variant is possibly or probably damaging. In conclusion, we classify GLA p.Gly43Ser (c.127G>A) as a pathogenic variant.

Revvity Omics, Revvity
Classification: Pathogenic. Last evaluated: 2025-02-10. Review status: criteria provided, single submitter. Criteria: ACMG Guidelines, 2015. Collection method: clinical testing. Allele origin: germline.

Eurofins Ntd Llc (ga)
Classification: Likely pathogenic. Last evaluated: 2016-08-23. Review status: criteria provided, single submitter. Criteria: EGL Classification Definitions 2015. Collection method: clinical testing. Allele origin: germline.

Literature cited by the submitters: PubMed 37940383 (cited by Genomenon, Inc); PubMed 36140787 (cited by Genomenon, Inc); PubMed 40692291 (cited by Genomenon, Inc); PubMed 32023956 (cited by Genomenon, Inc); PubMed 23935525 (cited by Genomenon, Inc); PubMed 27657681 (cited by Genomenon, Inc).